The following is an entry in ClinVar:

ClinVar aggregate classification (germline): Uncertain significance (1 of 4 stars; one submission).

Allele frequency attached by ClinVar (database versions not stated): gnomAD exomes below 0.00001.
gnomAD v4.1: 5 of 1,613,780 alleles (0.00031%); highest among the groups gnomAD compares: Non-Finnish European, 0.00034%; no homozygotes.

Submission:

Labcorp Genetics (formerly Invitae), Labcorp
Classification: Uncertain significance. Last evaluated: 2023-06-07. Review status: criteria provided, single submitter. Criteria: Invitae Variant Classification Sherloc (09022015). Collection method: clinical testing. Allele origin: germline.
Comment: In summary, the available evidence is currently insufficient to determine the role of this variant in disease. Therefore, it has been classified as a Variant of Uncertain Significance. Algorithms developed to predict the effect of sequence changes on RNA splicing suggest that this variant may create or strengthen a splice site. An algorithm developed to predict the effect of missense changes on protein structure and function (PolyPhen-2) suggests that this variant is likely to be tolerated. This variant has not been reported in the literature in individuals affected with LRP6-related conditions. This variant is not present in population databases (gnomAD no frequency). This sequence change replaces leucine, which is neutral and non-polar, with valine, which is neutral and non-polar, at codon 1241 of the LRP6 protein (p.Leu1241Val).

NM_002336.3(LRP6):c.3721C>G (p.Leu1241Val)

Gene: LRP6 (LDL receptor related protein 6; minus strand). Cytogenetic location: 12p13.2.
Variant type: single nucleotide variant.
Coding change: c.3721C>G on transcript NM_002336.3 (MANE Select); coding-DNA position 3721, C replaced by G.
Protein change: p.Leu1241Val; replaces leucine 1241 with valine.
Molecular consequence: missense variant. On other transcripts: non-coding transcript variant (1), intron variant (1).
Genome position (GRCh38, 1-based): chr12:12,135,187, G>C on the plus strand (C>G on the coding strand, the complement: LRP6 is on the minus strand). VCF-style: chr12-12135187-G-C. GRCh37 (hg19) VCF-style: chr12-12288121-G-C.
Other names: c.3814C>G, p.Leu1272Val (NM_001414244.1); c.3721C>G, p.Leu1241Val (NM_001414245.1, NM_001414246.1, NM_001414248.1 and 2 more transcripts); c.3523C>G, p.Leu1175Val (NM_001414247.1); c.3268C>G, p.Leu1090Val (NM_001414252.1, NM_001414253.1, NM_001414254.1); c.3214C>G, p.Leu1072Val (NM_001414255.1); c.3607+3138C>G (NM_001414251.1); short protein forms L1272V, L1090V, L1175V, L1241V, L1072V.
Identifiers: ClinVar variation 2989200 (VCV002989200.3), dbSNP rs2498663014, ClinGen allele CA383952629.